The following is an entry in ClinVar:

ClinVar aggregate classification (germline): Likely benign. Review status: criteria provided, multiple submitters, no conflicts (2 of 4 stars). 3 submissions from 3 submitters: Likely benign (2). 1 of the submissions does not count toward it. Last evaluated 2026-01-03.

Conditions:
SLC39A4-related disorder. Also called: SLC39A4-related condition.

Allele frequency attached by ClinVar (database versions not stated): 1000 Genomes Project 0.00020; TOPMed 0.00008; gnomAD exomes 0.00011; 1000 Genomes Project 30x 0.00031; gnomAD 0.00006; ExAC 0.00011.
gnomAD v4.1: 235 of 1,604,660 alleles (0.015%); highest among the groups gnomAD compares: Middle Eastern, 0.033%; no homozygotes.

Submissions (3):

Labcorp Genetics (formerly Invitae), Labcorp
Classification: Likely benign. Last evaluated: 2026-01-03. Review status: criteria provided, single submitter. Criteria: Invitae Variant Classification Sherloc (09022015). Collection method: clinical testing. Allele origin: germline.

Breakthrough Genomics
Classification: Likely benign. Review status: criteria provided, single submitter. Criteria: ACMG Guidelines, 2015. Collection method: not provided. Allele origin: germline. Inheritance: Autosomal recessive inheritance. Affected: yes.

PreventionGenetics, part of Exact Sciences
Classification: Likely benign for SLC39A4-related condition. Last evaluated: 2019-02-19. Review status: no assertion criteria provided. Collection method: clinical testing. Allele origin: germline. Not counted in ClinVar's aggregate classification.
Comment: This variant is classified as likely benign based on ACMG/AMP sequence variant interpretation guidelines (Richards et al. 2015 PMID: 25741868, with internal and published modifications).

NM_130849.4(SLC39A4):c.156G>A (p.Ala52=)

Gene: SLC39A4 (solute carrier family 39 member 4; minus strand). Cytogenetic location: 8q24.3.
Variant type: single nucleotide variant.
Coding change: c.156G>A on transcript NM_130849.4 (MANE Select); coding-DNA position 156, G replaced by A.
Protein change: p.Ala52=; no amino-acid change (alanine 52 retained).
Molecular consequence: synonymous variant.
Genome position (GRCh38, 1-based): chr8:144,416,634, C>T on the plus strand (G>A on the coding strand, the complement: SLC39A4 is on the minus strand). VCF-style: chr8-144416634-C-T. GRCh37 (hg19) VCF-style: chr8-145642018-C-T.
Other names: c.156G>A, p.Ala52= (NM_001374839.1); c.156G>A (NM_130849.3).
Identifiers: ClinVar variation 1114143 (VCV001114143.9), dbSNP rs574424739, ClinGen allele CA4941849.